The following is an entry in ClinVar:

ClinVar aggregate classification (germline): Conflicting classifications of pathogenicity. Review status: criteria provided, conflicting classifications (1 of 4 stars). 2 submissions from 2 submitters: Uncertain significance (1); Likely benign (1). Last evaluated 2023-01-13.

Conditions:
Brugada syndrome 5 (BRGDA5). Identifiers: Orphanet 130, Orphanet 871, MedGen C2748541, MONDO:0013015, OMIM 612838.

Allele frequency attached by ClinVar (database versions not stated): gnomAD exomes below 0.00001 and 0.00001; TOPMed below 0.00001; gnomAD 0.00001.
gnomAD v4.1: 9 of 1,613,968 alleles (0.00056%); highest among the groups gnomAD compares: Non-Finnish European, 0.00068%; no homozygotes.

Submissions (2):

Labcorp Genetics (formerly Invitae), Labcorp
Classification: Uncertain significance for Brugada syndrome 5. Last evaluated: 2023-01-13. Review status: criteria provided, single submitter. Criteria: Invitae Variant Classification Sherloc (09022015). Collection method: clinical testing. Allele origin: germline.
Comment: Experimental studies and prediction algorithms are not available or were not evaluated, and the effect of this variant on mRNA splicing is currently unknown. In summary, the available evidence is currently insufficient to determine the role of this variant in disease. Therefore, it has been classified as a Variant of Uncertain Significance. This variant has not been reported in the literature in individuals affected with SCN1B-related conditions. This variant is present in population databases (no rsID available, gnomAD 0.0009%). This sequence change falls in intron 3 of the SCN1B gene. It does not directly change the encoded amino acid sequence of the SCN1B protein. The SCN1B gene has multiple clinically relevant transcripts. This variant occurs in alternate transcript NM_001037.5, and corresponds to NM_199037.3:c.*5009G>A in the primary transcript.

GeneDx
Classification: Likely benign. Last evaluated: 2020-07-29. Review status: criteria provided, single submitter. Criteria: GeneDx Variant Classification Process June 2021. Collection method: clinical testing. Allele origin: germline. Affected: yes.

NM_001037.5(SCN1B):c.449-10G>A

Gene: SCN1B (sodium voltage-gated channel beta subunit 1; plus strand). Cytogenetic location: 19q13.11.
Variant type: single nucleotide variant.
Coding change: c.449-10G>A on transcript NM_001037.5 (MANE Select); 10 bases into the intron before coding-DNA position 449, G replaced by A.
Molecular consequence: intron variant.
Genome position (GRCh38, 1-based): chr19:35,039,107, G>A. VCF-style: chr19-35039107-G-A. GRCh37 (hg19) VCF-style: chr19-35530011-G-A.
Other names: c.350-10G>A (NM_001321605.2).
Identifiers: ClinVar variation 392241 (VCV000392241.9), dbSNP rs1049927697, ClinGen allele CA16608201.